The following is an entry in ClinVar:

NM_001128425.2(MUTYH):c.13G>C (p.Val5Leu)

Genes: MUTYH (mutY DNA glycosylase; minus strand), TOE1 (target of EGR1, exonuclease; plus strand). Cytogenetic location: 1p34.1.
Variant type: single nucleotide variant.
Coding change: c.13G>C on transcript NM_001128425.2 (MANE Plus Clinical); coding-DNA position 13, G replaced by C.
Protein change: p.Val5Leu; replaces valine 5 with leucine.
Molecular consequence: missense variant. On other transcripts: 5 prime UTR variant (8), non-coding transcript variant (3).
Genome position (GRCh38, 1-based): chr1:45,340,242, C>G on the plus strand (G>C on the coding strand, the complement: MUTYH is on the minus strand). VCF-style: chr1-45340242-C-G. GRCh37 (hg19) VCF-style: chr1-45805914-C-G.
Other names: c.-11C>G (NM_025077.4); c.-30G>C (NM_001048171.2); c.13G>C, p.Val5Leu (NM_001293190.2, NM_001407069.1, NM_001407073.1 and 1 more transcripts); c.-242G>C (NM_001293192.2); c.-301G>C (NM_001350650.2); c.-237G>C (NM_001350651.2); c.-46G>C (NM_001407070.1, NM_001407071.1); c.-26G>C (NM_001407072.1); short protein forms V5L.
Identifiers: ClinVar variation 185106 (VCV000185106.14), dbSNP rs786201933, ClinGen allele CA012678.
Genomic context (GRCh38, chr1:45,340,242, plus strand): 5'-GAACCGCGCCAGGAGACGGACCGCAAGTCCAGCGTACCCACAGACGACTCAGGCGGGAGA[C>G]GAGCGGTGTCATGGCCGCCGACAGTGACGATGGCGCAGTTTCAGCTCCCGCAGCTTCCGA-3'
Protein context (NP_001121897.1, residues 1-15): MTPL[Val5Leu]SRLSRLWAIM

ClinVar aggregate classification (germline): Conflicting classifications of pathogenicity. Review status: criteria provided, conflicting classifications (1 of 4 stars). 2 submissions from 2 submitters: Uncertain significance (1); Likely benign (1). Last evaluated 2025-05-16.

Conditions:
Hereditary cancer-predisposing syndrome. Also called: Hereditary Cancer Syndrome; Tumor predisposition; Neoplastic Syndromes, Hereditary; Hereditary neoplastic syndrome. Identifiers: Orphanet 140162, MedGen C0027672, MeSH D009386, MONDO:0015356.
Familial adenomatous polyposis 2. Also called: MUTYH-associated polyposis; MUTYH Polyposis; Adenomas, multiple colorectal; FAP type 2; ADENOMAS, MULTIPLE COLORECTAL, AUTOSOMAL RECESSIVE; COLORECTAL ADENOMATOUS POLYPOSIS, AUTOSOMAL RECESSIVE. Identifiers: Orphanet 220460, Orphanet 247798, MedGen C3272841, MONDO:0012041, OMIM 608456.

Submissions (2):

Ambry Genetics
Classification: Likely benign for Hereditary cancer-predisposing syndrome. Last evaluated: 2025-05-16. Review status: criteria provided, single submitter. Criteria: Ambry Variant Classification Scheme 2023. Collection method: clinical testing. Allele origin: germline.

Labcorp Genetics (formerly Invitae), Labcorp
Classification: Uncertain significance for Familial adenomatous polyposis 2. Last evaluated: 2021-02-14. Review status: criteria provided, single submitter. Criteria: Invitae Variant Classification Sherloc (09022015). Collection method: clinical testing. Allele origin: germline.
Comment: In summary, the available evidence is currently insufficient to determine the role of this variant in disease. Therefore, it has been classified as a Variant of Uncertain Significance. Algorithms developed to predict the effect of missense changes on protein structure and function (SIFT, PolyPhen-2, Align-GVGD) all suggest that this variant is likely to be tolerated, but these predictions have not been confirmed by published functional studies and their clinical significance is uncertain. This variant has not been reported in the literature in individuals with MUTYH-related conditions. ClinVar contains an entry for this variant (Variation ID: 185106). This variant is not present in population databases (ExAC no frequency). This sequence change replaces valine with leucine at codon 5 of the MUTYH protein (p.Val5Leu). The valine residue is weakly conserved and there is a small physicochemical difference between valine and leucine.